The following is an entry in ClinVar:

ClinVar aggregate classification (germline): Uncertain significance. Review status: criteria provided, multiple submitters, no conflicts (2 of 4 stars). 5 submissions from 5 submitters: Uncertain significance (4). 1 of the submissions does not count toward it. Last evaluated 2024-01-06.

Conditions:
Nemaline myopathy 2 (NEM2). Also called: Nemaline myopathy 2, autosomal recessive. Identifiers: MedGen C1850569, MONDO:0009725, OMIM 256030.

Allele frequency attached by ClinVar (database versions not stated): ExAC 0.00006; ESP Exome Variant Server 0.00008; gnomAD exomes 0.00011 and 0.00012; gnomAD 0.00013 and 0.00014; 1000 Genomes Project 30x 0.00016; 1000 Genomes Project 0.00020; TOPMed 0.00033.
gnomAD v4.1: 196 of 1,596,930 alleles (0.012%); highest among the groups gnomAD compares: Admixed American, 0.054%; no homozygotes.

Submissions (5):

Labcorp Genetics (formerly Invitae), Labcorp
Classification: Uncertain significance for Nemaline myopathy 2. Last evaluated: 2024-01-06. Review status: criteria provided, single submitter. Criteria: Invitae Variant Classification Sherloc (09022015). Collection method: clinical testing. Allele origin: germline.
Comment: This sequence change replaces arginine, which is basic and polar, with histidine, which is basic and polar, at codon 880 of the NEB protein (p.Arg880His). This variant is present in population databases (rs202026890, gnomAD 0.02%). This variant has not been reported in the literature in individuals affected with NEB-related conditions. ClinVar contains an entry for this variant (Variation ID: 452209). Algorithms developed to predict the effect of missense changes on protein structure and function output the following: SIFT: "Not Available"; PolyPhen-2: "Not Available"; Align-GVGD: "Not Available". The histidine amino acid residue is found in multiple mammalian species, which suggests that this missense change does not adversely affect protein function. In summary, the available evidence is currently insufficient to determine the role of this variant in disease. Therefore, it has been classified as a Variant of Uncertain Significance.

Revvity Omics, Revvity
Classification: Uncertain significance. Last evaluated: 2023-12-20. Review status: criteria provided, single submitter. Criteria: ACMG Guidelines, 2015. Collection method: clinical testing. Allele origin: germline.

GeneDx
Classification: Uncertain significance. Last evaluated: 2021-12-08. Review status: criteria provided, single submitter. Criteria: GeneDx Variant Classification Process June 2021. Collection method: clinical testing. Allele origin: germline. Affected: yes.
Comment: In silico analysis supports that this missense variant does not alter protein structure/function; Has not been previously published as pathogenic or benign to our knowledge

Women's Health and Genetics/Laboratory Corporation of America, LabCorp
Classification: Uncertain significance. Last evaluated: 2018-06-11. Review status: criteria provided, single submitter. Criteria: LabCorp Variant Classification Summary - May 2015. Collection method: clinical testing. Allele origin: germline.
Comment: Variant summary: NEB c.2639G>A (p.Arg880His) results in a non-conservative amino acid change in the encoded protein sequence. Two of three in-silico tools predict a benign effect of the variant on protein function. The variant allele was found at a frequency of 6.1e-05 in 65270 control chromosomes. The available data on variant occurrences in the general population are insufficient to allow any conclusion about variant significance. To our knowledge, no occurrence of c.2639G>A in individuals affected with Nemaline Myopathy 2 and no experimental evidence demonstrating its impact on protein function have been reported. One clinical diagnostic laboratory has submitted clinical-significance assessments for this variant to ClinVar after 2014 without evidence for independent evaluation and classified the variant as uncertain significance. Based on the evidence outlined above, the variant was classified as uncertain significance.

Natera, Inc.
Classification: Uncertain significance for Nemaline myopathy type 2. Last evaluated: 2020-09-16. Review status: no assertion criteria provided. Collection method: clinical testing. Allele origin: germline. Not counted in ClinVar's aggregate classification.

NM_001164508.2(NEB):c.2639G>A (p.Arg880His)

Gene: NEB (nebulin; minus strand). Cytogenetic location: 2q23.3.
Variant type: single nucleotide variant.
Coding change: c.2639G>A on transcript NM_001164508.2 (MANE Select); coding-DNA position 2639, G replaced by A.
Protein change: p.Arg880His; replaces arginine 880 with histidine.
Molecular consequence: missense variant.
Genome position (GRCh38, 1-based): chr2:151,684,974, C>T on the plus strand (G>A on the coding strand, the complement: NEB is on the minus strand). VCF-style: chr2-151684974-C-T. GRCh37 (hg19) VCF-style: chr2-152541488-C-T.
Other names: c.2639G>A, p.Arg880His (NM_001164507.2, NM_001271208.2, NM_004543.5); short protein forms R880H.
Identifiers: ClinVar variation 452209 (VCV000452209.13), dbSNP rs202026890, ClinGen allele CA1911157.